The following is an entry in ClinVar:

ClinVar aggregate classification (germline): Likely benign (0 of 4 stars; one submission).

Conditions:
PLXNA1-related disorder. Also called: PLXNA1-related condition.

gnomAD v4.1: 3 of 1,613,538 alleles (0.00019%); highest among the groups gnomAD compares: African/African-American, 0.0027%; no homozygotes.

Submission:

PreventionGenetics, part of Exact Sciences
Classification: Likely benign for PLXNA1-related condition. Last evaluated: 2021-12-04. Review status: no assertion criteria provided. Collection method: clinical testing. Allele origin: germline.
Comment: This variant is classified as likely benign based on ACMG/AMP sequence variant interpretation guidelines (Richards et al. 2015 PMID: 25741868, with internal and published modifications).

NM_032242.4(PLXNA1):c.768C>T (p.Val256=)

Gene: PLXNA1 (plexin A1; plus strand). Cytogenetic location: 3q21.3.
Variant type: single nucleotide variant.
Coding change: c.768C>T on transcript NM_032242.4 (MANE Select); coding-DNA position 768, C replaced by T.
Protein change: p.Val256=; no amino-acid change (valine 256 retained).
Molecular consequence: synonymous variant.
Genome position (GRCh38, 1-based): chr3:126,989,361, C>T. VCF-style: chr3-126989361-C-T. GRCh37 (hg19) VCF-style: chr3-126708204-C-T.
Identifiers: ClinVar variation 3355650 (VCV003355650.1).